The following is an entry in ClinVar:

NM_000070.3(CAPN3):c.1536+1G>T

Gene: CAPN3 (calpain 3; plus strand). Cytogenetic location: 15q15.1.
Variant type: single nucleotide variant.
Coding change: c.1536+1G>T on transcript NM_000070.3 (MANE Select); the canonical splice donor site of the intron after coding-DNA position 1536, G replaced by T.
Molecular consequence: splice donor variant. On other transcripts: missense variant (1).
Genome position (GRCh38, 1-based): chr15:42,402,136, G>T. VCF-style: chr15-42402136-G-T. GRCh37 (hg19) VCF-style: chr15-42694334-G-T.
Other names: c.1276G>T, p.Val426Leu (NM_212464.2); c.1536+1G>T (NM_024344.2); c.1392+1G>T (NM_173087.2); short protein forms V426L.
Identifiers: ClinVar variation 2190718 (VCV002190718.5), dbSNP rs1301292668, ClinGen allele CA392000057.

ClinVar aggregate classification (germline): Pathogenic. Review status: criteria provided, multiple submitters, no conflicts (2 of 4 stars). 2 submissions from 2 submitters: Pathogenic (2). Last evaluated 2024-02-04.

Conditions:
Autosomal recessive limb-girdle muscular dystrophy type 2A (LGMDR1). Also called: Limb-girdle muscular dystrophy, type 2A; Calpainopathy; LEYDEN-MOEBIUS MUSCULAR DYSTROPHY; Muscular dystrophy, limb-girdle, type 2A, Amish; MUSCULAR DYSTROPHY, PELVOFEMORAL. Identifiers: Orphanet 267, MedGen C1869123, MONDO:0009675, OMIM 253600. Disease mechanism: loss of function.

Allele frequency attached by ClinVar (database versions not stated): TOPMed below 0.00001; gnomAD 0.00001.
gnomAD v4.1: 3 of 1,613,946 alleles (0.00019%); highest among the groups gnomAD compares: Non-Finnish European, 0.00025%; no homozygotes.

Submissions (2):

Kariminejad - Najmabadi Pathology & Genetics Center
Classification: Pathogenic for Autosomal recessive limb-girdle muscular dystrophy type 2A. Last evaluated: 2024-02-04. Review status: criteria provided, single submitter. Criteria: ACMG Guidelines, 2015. Collection method: clinical testing. Allele origin: germline. Inheritance: Autosomal recessive inheritance. Affected: yes.
Comment: (PVS1-very strong,PM2,PS3-supp,PP5?)

Labcorp Genetics (formerly Invitae), Labcorp
Classification: Pathogenic for Autosomal recessive limb-girdle muscular dystrophy type 2A. Last evaluated: 2023-01-14. Review status: criteria provided, single submitter. Criteria: Invitae Variant Classification Sherloc (09022015). Collection method: clinical testing. Allele origin: germline.
Comment: For these reasons, this variant has been classified as Pathogenic. Algorithms developed to predict the effect of sequence changes on RNA splicing suggest that this variant may disrupt the consensus splice site. Disruption of this splice site has been observed in individual(s) with limb-girdle muscular dystrophy (PMID: 20477750). It has also been observed to segregate with disease in related individuals. This variant is not present in population databases (gnomAD no frequency). This sequence change affects a donor splice site in intron 12 of the CAPN3 gene. It is expected to disrupt RNA splicing. Variants that disrupt the donor or acceptor splice site typically lead to a loss of protein function (PMID: 16199547), and loss-of-function variants in CAPN3 are known to be pathogenic (PMID: 10330340, 15689361).

Literature cited by the submitters: PubMed 20477750 (cited by Labcorp Genetics (formerly Invitae), Labcorp); PubMed 16199547 (cited by Labcorp Genetics (formerly Invitae), Labcorp); PubMed 10330340 (cited by Labcorp Genetics (formerly Invitae), Labcorp); PubMed 15689361 (cited by Labcorp Genetics (formerly Invitae), Labcorp).